The following is an entry in ClinVar:

ClinVar aggregate classification (germline): Pathogenic (1 of 4 stars; one submission).

Conditions:
Combined oxidative phosphorylation defect type 17. Also called: Combined oxidative phosphorylation deficiency 17. Identifiers: Orphanet 369913, MedGen C3809526, MONDO:0014190, OMIM 615440.

Submission:

Labcorp Genetics (formerly Invitae), Labcorp
Classification: Pathogenic for Combined oxidative phosphorylation defect type 17. Last evaluated: 2024-07-30. Review status: criteria provided, single submitter. Criteria: Invitae Variant Classification Sherloc (09022015). Collection method: clinical testing. Allele origin: germline.
Comment: This sequence change creates a premature translational stop signal (p.Glu176*) in the ELAC2 gene. It is expected to result in an absent or disrupted protein product. Loss-of-function variants in ELAC2 are known to be pathogenic (PMID: 27769300, 31045291). This variant is not present in population databases (gnomAD no frequency). This variant has not been reported in the literature in individuals affected with ELAC2-related conditions. For these reasons, this variant has been classified as Pathogenic.

Literature cited by the submitters: PubMed 27769300; PubMed 31045291.

NM_018127.7(ELAC2):c.526G>T (p.Glu176Ter)

Gene: ELAC2 (elaC ribonuclease Z 2; minus strand). Cytogenetic location: 17p12.
Variant type: single nucleotide variant.
Coding change: c.526G>T on transcript NM_018127.7 (MANE Select); coding-DNA position 526, G replaced by T.
Protein change: p.Glu176Ter; replaces glutamic acid 176 with a stop codon.
Molecular consequence: nonsense.
Genome position (GRCh38, 1-based): chr17:13,013,240, C>A on the plus strand (G>T on the coding strand, the complement: ELAC2 is on the minus strand). VCF-style: chr17-13013240-C-A. GRCh37 (hg19) VCF-style: chr17-12916557-C-A.
Other names: c.526G>T, p.Glu176Ter (NM_001165962.2, NM_173717.2); short protein forms E176*.
Identifiers: ClinVar variation 3649547 (VCV003649547.2).